The following is an entry in ClinVar:

NM_000338.3(SLC12A1):c.2630-7G>A

Gene: SLC12A1 (solute carrier family 12 member 1; plus strand). Cytogenetic location: 15q21.1.
Variant type: single nucleotide variant.
Coding change: c.2630-7G>A on transcript NM_000338.3 (MANE Select); 7 bases into the intron before coding-DNA position 2630, G replaced by A.
Molecular consequence: intron variant.
Genome position (GRCh38, 1-based): chr15:48,288,036, G>A. VCF-style: chr15-48288036-G-A. GRCh37 (hg19) VCF-style: chr15-48580233-G-A.
Other names: c.2630-7G>A (NM_001184832.2).
Identifiers: ClinVar variation 316273 (VCV000316273.18), dbSNP rs34063058, ClinGen allele CA7547477.
Genomic context (GRCh38, chr15:48,288,036, plus strand): 5'-GATTGGAAAGTTATTTTGTTTCTGCCCTCAAAAGCAAACAGATGCATCAATTCCTCTTTC[G>A]TTTCAGATGGCAGCATTAACACAAGCCAGTCGATGCATGTGGGAGAGTTCAACCAGAAAC-3'

ClinVar aggregate classification (germline): Benign. Review status: criteria provided, multiple submitters, no conflicts (2 of 4 stars). 5 submissions from 5 submitters: Benign (4). 1 of the submissions does not count toward it. Last evaluated 2026-02-01.

Conditions:
Bartter disease type 1. Also called: HYPERPROSTAGLANDIN E SYNDROME 1; HYPOKALEMIC ALKALOSIS WITH HYPERCALCIURIA 1, ANTENATAL; Bartter syndrome, type 1, antenatal; Bartter Syndrome type 1. Identifiers: Orphanet 112, Orphanet 620217, MedGen C1866495, MONDO:0100344, OMIM 601678, MONDO:0011127.
SLC12A1-related disorder. Also called: SLC12A1-related condition.

Allele frequency attached by ClinVar (database versions not stated): gnomAD exomes 0.00175; ExAC 0.00232; gnomAD 0.00590 and 0.00623; ESP Exome Variant Server 0.00670; TOPMed 0.00675; 1000 Genomes Project 0.00919; 1000 Genomes Project 30x 0.00921.
gnomAD v4.1: 1,804 of 1,605,032 alleles (0.11%); highest among the groups gnomAD compares: African/African-American, 2%; 17 homozygotes.

Submissions (5):

Labcorp Genetics (formerly Invitae), Labcorp
Classification: Benign. Last evaluated: 2026-02-01. Review status: criteria provided, single submitter. Criteria: Invitae Variant Classification Sherloc (09022015). Collection method: clinical testing. Allele origin: germline.

Athena Diagnostics
Classification: Benign. Last evaluated: 2018-08-29. Review status: criteria provided, single submitter. Criteria: Athena Diagnostics Criteria. Collection method: clinical testing. Allele origin: germline.

Illumina Laboratory Services, Illumina
Classification: Benign for Bartter disease type 1. Last evaluated: 2018-01-13. Review status: criteria provided, single submitter. Criteria: ICSL Variant Classification Criteria 13 December 2019. Collection method: clinical testing. Allele origin: germline.
Comment: This variant was observed in the ICSL laboratory as part of a predisposition screen in an ostensibly healthy population. It had not been previously curated by ICSL or reported in the Human Gene Mutation Database (HGMD: prior to June 1st, 2018), and was therefore a candidate for classification through an automated scoring system. Utilizing variant allele frequency, disease prevalence and penetrance estimates, and inheritance mode, an automated score was calculated to assess if this variant is too frequent to cause the disease. Based on the score and internal cut-off values, a variant classified as benign is not then subjected to further curation. The score for this variant resulted in a classification of benign for this disease.

Breakthrough Genomics
Classification: Benign. Review status: criteria provided, single submitter. Criteria: ACMG Guidelines, 2015. Collection method: not provided. Allele origin: germline. Inheritance: Autosomal recessive inheritance. Affected: yes.

PreventionGenetics, part of Exact Sciences
Classification: Benign for SLC12A1-related condition. Last evaluated: 2019-03-04. Review status: no assertion criteria provided. Collection method: clinical testing. Allele origin: germline. Not counted in ClinVar's aggregate classification.
Comment: This variant is classified as benign based on ACMG/AMP sequence variant interpretation guidelines (Richards et al. 2015 PMID: 25741868, with internal and published modifications).